The following is an entry in ClinVar:

NM_001039469.3(MARK2):c.1486C>T (p.Gln496Ter)

Gene: MARK2 (microtubule affinity regulating kinase 2; plus strand). Cytogenetic location: 11q13.1.
Variant type: single nucleotide variant.
Coding change: c.1486C>T on transcript NM_001039469.3 (MANE Select); coding-DNA position 1486, C replaced by T.
Protein change: p.Gln496Ter; replaces glutamine 496 with a stop codon.
Molecular consequence: nonsense.
Genome position (GRCh38, 1-based): chr11:63,903,130, C>T. VCF-style: chr11-63903130-C-T. GRCh37 (hg19) VCF-style: chr11-63670602-C-T.
Other names: c.1486C>T, p.Gln496Ter (NM_001163296.2); c.1483C>T, p.Gln495Ter (NM_001163297.2, NM_004954.5); c.1384C>T, p.Gln462Ter (NM_017490.4); short protein forms Q496*, Q462*, Q495*.
Identifiers: ClinVar variation 5023894 (VCV005023894.1).

ClinVar aggregate classification (germline): Pathogenic (1 of 4 stars; one submission).

Submission:

Ambry Genetics
Classification: Pathogenic. Last evaluated: 2026-07-20. Review status: criteria provided, single submitter. Criteria: Ambry Variant Classification Scheme 2023. Collection method: clinical testing. Allele origin: germline.
Comment: The c.1486C>T (p.Q496*) alteration, located in exon 14 (coding exon 14) of the MARK2 gene, consists of a C to T substitution at nucleotide position 1486. This changes the amino acid from a glutamine (Q) to a stop codon at amino acid position 496. This variant is expected to result in loss of function by premature protein truncation or nonsense-mediated mRNA decay. This variant was not reported in population-based cohorts in the Genome Aggregation Database (gnomAD). Based on the available evidence, this alteration is classified as pathogenic.